The following is an entry in ClinVar:

ClinVar aggregate classification (germline): Uncertain significance. Review status: criteria provided, multiple submitters, no conflicts (2 of 4 stars). 2 submissions from 2 submitters: Uncertain significance (2). Last evaluated 2025-06-20.

Conditions:
Autosomal recessive nonsyndromic hearing loss 3. Also called: NEUROSENSORY NONSYNDROMIC RECESSIVE DEAFNESS 3. Identifiers: Orphanet 90636, MedGen C1838263, MONDO:0010860, OMIM 600316.

gnomAD v4.1: 35 of 1,613,996 alleles (0.0022%); highest among the groups gnomAD compares: Non-Finnish European, 0.0025%; no homozygotes.

Submissions (2):

Labcorp Genetics (formerly Invitae), Labcorp
Classification: Uncertain significance. Last evaluated: 2025-06-20. Review status: criteria provided, single submitter. Criteria: Invitae Variant Classification Sherloc (09022015). Collection method: clinical testing. Allele origin: germline.
Comment: This sequence change replaces arginine, which is basic and polar, with tryptophan, which is neutral and slightly polar, at codon 2177 of the MYO15A protein (p.Arg2177Trp). This variant is present in population databases (rs755861076, gnomAD 0.01%). This variant has not been reported in the literature in individuals affected with MYO15A-related conditions. ClinVar contains an entry for this variant (Variation ID: 3764580). Invitae Evidence Modeling of protein sequence and biophysical properties (such as structural, functional, and spatial information, amino acid conservation, physicochemical variation, residue mobility, and thermodynamic stability) indicates that this missense variant is not expected to disrupt MYO15A protein function with a negative predictive value of 95%. Algorithms developed to predict the effect of sequence changes on RNA splicing suggest that this variant may disrupt the consensus splice site. In summary, the available evidence is currently insufficient to determine the role of this variant in disease. Therefore, it has been classified as a Variant of Uncertain Significance.

Daryl Scott Lab, Baylor College of Medicine
Classification: Uncertain significance for Autosomal recessive nonsyndromic hearing loss 3. Last evaluated: 2024-01-01. Review status: criteria provided, single submitter. Criteria: ACMG Guidelines, 2015. Collection method: clinical testing. Allele origin: paternal. Observed: 1 heterozygote.
Comment: PM2

NM_016239.4(MYO15A):c.6529C>T (p.Arg2177Trp)

Gene: MYO15A (myosin XVA; plus strand). Cytogenetic location: 17p11.2.
Variant type: single nucleotide variant.
Coding change: c.6529C>T on transcript NM_016239.4 (MANE Select); coding-DNA position 6529, C replaced by T.
Protein change: p.Arg2177Trp; replaces arginine 2177 with tryptophan.
Molecular consequence: missense variant.
Genome position (GRCh38, 1-based): chr17:18,148,048, C>T. VCF-style: chr17-18148048-C-T. GRCh37 (hg19) VCF-style: chr17-18051362-C-T.
Other names: short protein forms R2177W.
Identifiers: ClinVar variation 3764580 (VCV003764580.2).